The following is an entry in ClinVar:

NM_024642.5(GALNT12):c.481G>T (p.Glu161Ter)

Gene: GALNT12 (polypeptide N-acetylgalactosaminyltransferase 12; plus strand). Cytogenetic location: 9q22.33.
Variant type: single nucleotide variant.
Coding change: c.481G>T on transcript NM_024642.5 (MANE Select); coding-DNA position 481, G replaced by T.
Protein change: p.Glu161Ter; replaces glutamic acid 161 with a stop codon.
Molecular consequence: nonsense.
Genome position (GRCh38, 1-based): chr9:98,823,365, G>T. VCF-style: chr9-98823365-G-T. GRCh37 (hg19) VCF-style: chr9-101585647-G-T.
Other names: short protein forms E161*.
Identifiers: ClinVar variation 1743353 (VCV001743353.2), dbSNP rs1023064486, ClinGen allele CA374216791.

ClinVar aggregate classification (germline): Uncertain significance (1 of 4 stars; one submission).

Submission:

Ambry Genetics
Classification: Uncertain significance. Last evaluated: 2017-10-03. Review status: criteria provided, single submitter. Criteria: Ambry Variant Classification Scheme 2023. Collection method: clinical testing. Allele origin: germline.
Comment: The p.E161* variant (also known as c.481G>T), located in coding exon 2 of the GALNT12 gene, results from a G to T substitution at nucleotide position 481. This changes the amino acid from a glutamic acid to a stop codon within coding exon 2. This alteration is expected to result in loss of function by premature protein truncation or nonsense-mediated mRNA decay. However, loss of function of GALNT12 has not been clearly established as a mechanism of disease. Since supporting evidence is limited at this time, the clinical significance of this alteration remains unclear